The following is an entry in ClinVar:

NM_000051.4(ATM):c.5725A>G (p.Met1909Val)

Gene: ATM (ATM serine/threonine kinase; plus strand). Cytogenetic location: 11q22.3.
Variant type: single nucleotide variant.
Coding change: c.5725A>G on transcript NM_000051.4 (MANE Select); coding-DNA position 5725, A replaced by G.
Protein change: p.Met1909Val; replaces methionine 1909 with valine.
Molecular consequence: missense variant.
Genome position (GRCh38, 1-based): chr11:108,307,947, A>G. VCF-style: chr11-108307947-A-G. GRCh37 (hg19) VCF-style: chr11-108178674-A-G.
Other names: c.5725A>G, p.Met1909Val (NM_001351834.2); short protein forms M1909V.
Identifiers: ClinVar variation 232769 (VCV000232769.28), dbSNP rs750561317, ClinGen allele CA6265762.

ClinVar aggregate classification (germline): Uncertain significance. Review status: criteria provided, multiple submitters, no conflicts (2 of 4 stars). 8 submissions from 8 submitters: Uncertain significance (7). 1 of the submissions does not count toward it. Last evaluated 2026-09-23.

Conditions:
ATM-related disorder. Also called: ATM-related disorders; ATM-related condition.
Hereditary cancer-predisposing syndrome. Also called: Neoplastic Syndromes, Hereditary; Tumor predisposition; Hereditary Cancer Syndrome; Hereditary neoplastic syndrome. Identifiers: Orphanet 140162, MedGen C0027672, MeSH D009386, MONDO:0015356.
Ataxia-telangiectasia syndrome (AT). Also called: Cerebello-oculocutaneous telangiectasia; Immunodeficiency with ataxia telangiectasia; ATAXIA-TELANGIECTASIA, COMPLEMENTATION GROUP A; ATAXIA-TELANGIECTASIA, FRESNO VARIANT; Ataxia-telangiectasia; Ataxia-telangiectasia, complementation group E. Identifiers: Orphanet 100, MedGen C0004135, MONDO:0008840, OMIM 208900.

Allele frequency attached by ClinVar (database versions not stated): ExAC 0.00001; gnomAD exomes 0.00001; TOPMed 0.00001; gnomAD 0.00003.

Submissions (8):

PreventionGenetics, part of Exact Sciences
Classification: Uncertain significance for ATM-related condition. Last evaluated: 2026-09-23. Review status: criteria provided, single submitter. Criteria: ACMG Guidelines, 2015. Collection method: clinical testing. Allele origin: germline.
Comment: The ATM c.5725A>G variant is predicted to result in the amino acid substitution p.Met1909Val. To our knowledge, this variant has not been reported in the literature. This variant is reported in 0.0028% of alleles in individuals of Latino descent in gnomAD. This variant has an interpretation of uncertain significance in ClinVar (Variation ID: 232769). At this time, the clinical significance of this variant is uncertain due to the absence of conclusive functional and genetic evidence.

Women's Health and Genetics/Laboratory Corporation of America, LabCorp
Classification: Uncertain significance. Last evaluated: 2026-06-22. Review status: criteria provided, single submitter. Criteria: LabCorp Variant Classification Summary - May 2015. Collection method: clinical testing. Allele origin: germline.
Comment: Variant summary: ATM c.5725A>G (p.Met1909Val) results in a conservative amino acid change in the encoded protein sequence. Algorithms developed to predict the effect of missense changes on protein structure and function are either unavailable or do not agree on the potential impact of this missense change. The variant allele was found at a frequency of 8e-06 in 251132 control chromosomes. The available data on variant occurrences in the general population are insufficient to allow any conclusion about variant significance. To our knowledge, no occurrence of c.5725A>G in individuals affected with ATM-related conditions and no experimental evidence demonstrating its impact on protein function have been reported. ClinVar contains an entry for this variant (Variation ID: 232769). Based on the evidence outlined above, the variant was classified as uncertain significance.

Labcorp Genetics (formerly Invitae), Labcorp
Classification: Uncertain significance for Ataxia-telangiectasia syndrome. Last evaluated: 2026-01-16. Review status: criteria provided, single submitter. Criteria: Invitae Variant Classification Sherloc (09022015). Collection method: clinical testing. Allele origin: germline.
Comment: This sequence change replaces methionine, which is neutral and non-polar, with valine, which is neutral and non-polar, at codon 1909 of the ATM protein (p.Met1909Val). This variant is present in population databases (rs750561317, gnomAD 0.003%). This variant has not been reported in the literature in individuals affected with ATM-related conditions. ClinVar contains an entry for this variant (Variation ID: 232769). Invitae Evidence Modeling of protein sequence and biophysical properties (such as structural, functional, and spatial information, amino acid conservation, physicochemical variation, residue mobility, and thermodynamic stability) indicates that this missense variant is not expected to disrupt ATM protein function with a negative predictive value of 95%. In summary, the available evidence is currently insufficient to determine the role of this variant in disease. Therefore, it has been classified as a Variant of Uncertain Significance.

Ambry Genetics
Classification: Uncertain significance for Hereditary cancer-predisposing syndrome. Last evaluated: 2025-07-18. Review status: criteria provided, single submitter. Criteria: Ambry Variant Classification Scheme 2023. Collection method: clinical testing. Allele origin: germline.
Comment: The p.M1909V variant (also known as c.5725A>G), located in coding exon 37 of the ATM gene, results from an A to G substitution at nucleotide position 5725. The methionine at codon 1909 is replaced by valine, an amino acid with highly similar properties. This amino acid position is highly conserved in available vertebrate species. In addition, this alteration is predicted to be deleterious by in silico analysis. Since supporting evidence is limited at this time, the clinical significance of this alteration remains unclear.

Quest Diagnostics Nichols Institute San Juan Capistrano
Classification: Uncertain significance. Last evaluated: 2024-01-17. Review status: criteria provided, single submitter. Criteria: Quest Diagnostics criteria. Collection method: clinical testing. Allele origin: unknown.

Color Diagnostics, LLC DBA Color Health
Classification: Uncertain significance for Hereditary cancer-predisposing syndrome. Last evaluated: 2023-12-05. Review status: criteria provided, single submitter. Criteria: ACMG Guidelines, 2015. Collection method: clinical testing. Allele origin: germline.
Comment: This missense variant replaces methionine with valine at codon 1909 of the ATM protein. Computational prediction suggests that this variant may not impact protein structure and function (internally defined REVEL score threshold <= 0.5, PMID: 27666373). To our knowledge, functional studies have not been reported for this variant. This variant has not been reported in individuals affected with ATM-related disorders in the literature. This variant has been identified in 3/282536 chromosomes in the general population by the Genome Aggregation Database (gnomAD). The available evidence is insufficient to determine the role of this variant in disease conclusively. Therefore, this variant is classified as a Variant of Uncertain Significance.

GeneDx
Classification: Uncertain significance. Last evaluated: 2016-12-29. Review status: criteria provided, single submitter. Criteria: GeneDx Variant Classification (06012015). Collection method: clinical testing. Allele origin: germline. Affected: yes.
Comment: This variant is denoted ATM c.5725A>G at the cDNA level, p.Met1909Val (M1909V) at the protein level, and results in the change of a Methionine to a Valine (ATG>GTG). This variant has not, to our knowledge, been published in the literature as pathogenic or benign. ATM Met1909Val was not observed in approximately 6,500 individuals of European and African American ancestry in the NHLBI Exome Sequencing Project, suggesting it is not a common benign variant in these populations. Since Methionine and Valine share similar properties, this is considered a conservative amino acid substitution. ATM Met1909Val occurs at a position that is conserved in mammals and is not located in a known functional domain, In silico analyses predict that this variant is probably damaging to protein structure and function. Based on currently available information, it is unclear whether ATM Met1909Val is pathogenic or benign. We consider it to be a variant of uncertain significance.

Natera, Inc.
Classification: Uncertain significance for Ataxia-telangiectasia. Last evaluated: 2021-10-12. Review status: no assertion criteria provided. Collection method: clinical testing. Allele origin: germline. Not counted in ClinVar's aggregate classification.